The following is an entry in ClinVar:

NM_000088.4(COL1A1):c.2829+2dup

Gene: COL1A1 (collagen type I alpha 1 chain; minus strand). Cytogenetic location: 17q21.33.
Variant type: Duplication.
Coding change: c.2829+2dup on transcript NM_000088.4 (MANE Select); the canonical splice donor site of the intron after coding-DNA position 2829, one base duplicated (T; older notation c.2829+2dupT).
Molecular consequence: splice donor variant.
Genome position (GRCh38, 1-based): chr17:50,189,375, A duplicated on the plus strand (T on the coding strand, the reverse complement: COL1A1 is on the minus strand). VCF-style (leftmost placement, unchanged base first): chr17-50189374-T-TA. GRCh37 (hg19) VCF-style: chr17-48266735-T-TA.
Identifiers: ClinVar variation 1503282 (VCV001503282.8), dbSNP rs2144549833, ClinGen allele CA2573154214.

ClinVar aggregate classification (germline): Uncertain significance (1 of 4 stars; one submission).

Conditions:
Osteogenesis imperfecta type I (OI1). Also called: Lobstein disease; Osteogenesis imperfecta type 1; OI, TYPE I; OSTEOGENESIS IMPERFECTA TARDA; OSTEOGENESIS IMPERFECTA WITH BLUE SCLERAE; Lobstein's Disease. Identifiers: Orphanet 216796, Orphanet 666, MedGen C0023931, MONDO:0008146, OMIM 166200. Disease mechanism: loss of function.

Submission:

Labcorp Genetics (formerly Invitae), Labcorp
Classification: Uncertain significance for Osteogenesis imperfecta type I. Last evaluated: 2020-11-25. Review status: criteria provided, single submitter. Criteria: Invitae Variant Classification Sherloc (09022015). Collection method: clinical testing. Allele origin: germline.
Comment: In summary, the available evidence is currently insufficient to determine the role of this variant in disease. Therefore, it has been classified as a Variant of Uncertain Significance. Nucleotide substitutions within the consensus splice site are a relatively common cause of aberrant splicing (PMID: 17576681, 9536098). Algorithms developed to predict the effect of sequence changes on RNA splicing suggest that this variant may disrupt the consensus splice site, but this prediction has not been confirmed by published transcriptional studies. This variant has been observed in individual(s) with autosomal dominant osteogenesis imperfecta (Invitae). This variant is not present in population databases (ExAC no frequency). This sequence change falls in intron 39 of the COL1A1 gene. It does not directly change the encoded amino acid sequence of the COL1A1 protein. It affects a nucleotide within the consensus splice site of the intron.

Literature cited by the submitters: PubMed 17576681; PubMed 9536098.